The following is an entry in ClinVar:

ClinVar aggregate classification (germline): Uncertain significance (1 of 4 stars; one submission).

Conditions:
Immunodeficiency, common variable, 10. Also called: DEFICIT IN ANTERIOR PITUITARY FUNCTION AND VARIABLE IMMUNODEFICIENCY; IMMUNODEFICIENCY, COMMON VARIABLE, WITH CENTRAL ADRENAL INSUFFICIENCY. Identifiers: MedGen C3809991, MONDO:0014260, OMIM 615577.

Allele frequency attached by ClinVar (database versions not stated): gnomAD exomes below 0.00001.

Submission:

Labcorp Genetics (formerly Invitae), Labcorp
Classification: Uncertain significance for Immunodeficiency, common variable, 10. Last evaluated: 2022-03-10. Review status: criteria provided, single submitter. Criteria: Invitae Variant Classification Sherloc (09022015). Collection method: clinical testing. Allele origin: germline.
Comment: This sequence change falls in intron 4 of the NFKB2 gene. It does not directly change the encoded amino acid sequence of the NFKB2 protein. This variant is not present in population databases (gnomAD no frequency). This variant has not been reported in the literature in individuals affected with NFKB2-related conditions. Algorithms developed to predict the effect of sequence changes on RNA splicing suggest that this variant may disrupt the consensus splice site. In summary, the available evidence is currently insufficient to determine the role of this variant in disease. Therefore, it has been classified as a Variant of Uncertain Significance.

NM_001322934.2(NFKB2):c.145-6C>T

Gene: NFKB2 (nuclear factor kappa B subunit 2; plus strand). Cytogenetic location: 10q24.32.
Variant type: single nucleotide variant.
Coding change: c.145-6C>T on transcript NM_001322934.2 (MANE Select); 6 bases into the intron before coding-DNA position 145, C replaced by T.
Molecular consequence: intron variant.
Genome position (GRCh38, 1-based): chr10:102,396,719, C>T. VCF-style: chr10-102396719-C-T. GRCh37 (hg19) VCF-style: chr10-104156476-C-T.
Other names: c.145-6C>T (NM_001288724.1, NM_001322935.1, NM_001077494.3 and 2 more transcripts).
Identifiers: ClinVar variation 1977402 (VCV001977402.5), dbSNP rs2061122107, ClinGen allele CA1932651411.